The following is an entry in ClinVar:

NM_001128840.3(CACNA1D):c.470C>T (p.Thr157Ile)

Gene: CACNA1D (calcium voltage-gated channel subunit alpha1 D; plus strand). Cytogenetic location: 3p21.1.
Variant type: single nucleotide variant.
Coding change: c.470C>T on transcript NM_001128840.3 (MANE Select); coding-DNA position 470, C replaced by T.
Protein change: p.Thr157Ile; replaces threonine 157 with isoleucine.
Molecular consequence: missense variant.
Genome position (GRCh38, 1-based): chr3:53,501,707, C>T. VCF-style: chr3-53501707-C-T. GRCh37 (hg19) VCF-style: chr3-53535734-C-T.
Other names: c.470C>T, p.Thr157Ile (NM_000720.4, NM_001128839.3); short protein forms T157I.
Identifiers: ClinVar variation 2009164 (VCV002009164.4), dbSNP rs2471541311, ClinGen allele CA353382885.

ClinVar aggregate classification (germline): Uncertain significance (1 of 4 stars; one submission).

Submission:

Labcorp Genetics (formerly Invitae), Labcorp
Classification: Uncertain significance. Last evaluated: 2022-09-13. Review status: criteria provided, single submitter. Criteria: Invitae Variant Classification Sherloc (09022015). Collection method: clinical testing. Allele origin: germline.
Comment: Advanced modeling of protein sequence and biophysical properties (such as structural, functional, and spatial information, amino acid conservation, physicochemical variation, residue mobility, and thermodynamic stability) performed at Invitae indicates that this missense variant is not expected to disrupt CACNA1D protein function. In summary, the available evidence is currently insufficient to determine the role of this variant in disease. Therefore, it has been classified as a Variant of Uncertain Significance. This variant has not been reported in the literature in individuals affected with CACNA1D-related conditions. This variant is not present in population databases (gnomAD no frequency). This sequence change replaces threonine, which is neutral and polar, with isoleucine, which is neutral and non-polar, at codon 157 of the CACNA1D protein (p.Thr157Ile).